The following is an entry in ClinVar:

ClinVar aggregate classification (germline): Uncertain significance (1 of 4 stars; one submission).

Conditions:
Isolated microphthalmia 5. Also called: Posterior Microphthalmia with Retinitis Pigmentosa, Foveoschisis, and Optic Disc Drusen. Identifiers: Orphanet 251279, MedGen C1970236, MONDO:0012605, OMIM 611040.

Submission:

Labcorp Genetics (formerly Invitae), Labcorp
Classification: Uncertain significance for Isolated microphthalmia 5. Last evaluated: 2022-03-08. Review status: criteria provided, single submitter. Criteria: Invitae Variant Classification Sherloc (09022015). Collection method: clinical testing. Allele origin: germline.
Comment: ClinVar contains an entry for this variant (Variation ID: 963267). In summary, the available evidence is currently insufficient to determine the role of this variant in disease. Therefore, it has been classified as a Variant of Uncertain Significance. Algorithms developed to predict the effect of missense changes on protein structure and function output the following: SIFT: "Tolerated"; PolyPhen-2: "Benign"; Align-GVGD: "Class C0". The glutamine amino acid residue is found in multiple mammalian species, which suggests that this missense change does not adversely affect protein function. This variant has not been reported in the literature in individuals affected with MFRP-related conditions. This variant is not present in population databases (gnomAD no frequency). This sequence change replaces histidine, which is basic and polar, with glutamine, which is neutral and polar, at codon 547 of the MFRP protein (p.His547Gln).

NM_031433.4(MFRP):c.1641C>A (p.His547Gln)

Genes: C1QTNF5 (C1q and TNF related 5; minus strand), MFRP (membrane frizzled-related protein; minus strand). Cytogenetic location: 11q23.3.
Variant type: single nucleotide variant.
Coding change: c.1641C>A on transcript NM_031433.4 (MANE Select); coding-DNA position 1641, C replaced by A.
Protein change: p.His547Gln; replaces histidine 547 with glutamine.
Molecular consequence: missense variant. On other transcripts: 5 prime UTR variant (1).
Genome position (GRCh38, 1-based): chr11:119,341,647, G>T on the plus strand (C>A on the coding strand, the complement: MFRP is on the minus strand). VCF-style: chr11-119341647-G-T. GRCh37 (hg19) VCF-style: chr11-119212357-G-T.
Other names: c.-996C>A (NM_015645.5); short protein forms H547Q.
Identifiers: ClinVar variation 963267 (VCV000963267.10), dbSNP rs1419850621, ClinGen allele CA382971479.